The following is an entry in ClinVar:

NM_000291.4(PGK1):c.1243A>G (p.Ser415Gly)

Gene: PGK1 (phosphoglycerate kinase 1; plus strand). Cytogenetic location: Xq21.1.
Variant type: single nucleotide variant.
Coding change: c.1243A>G on transcript NM_000291.4 (MANE Select); coding-DNA position 1243, A replaced by G.
Protein change: p.Ser415Gly; replaces serine 415 with glycine.
Molecular consequence: missense variant.
Genome position (GRCh38, 1-based): chrX:78,125,819, A>G. VCF-style: chrX-78125819-A-G. GRCh37 (hg19) VCF-style: chrX-77381316-A-G.
Other names: p.Ser415Gly; short protein forms S415G.
Identifiers: ClinVar variation 449821 (VCV000449821.7), dbSNP rs929302665, ClinGen allele CA331586284.

ClinVar aggregate classification (germline): Conflicting classifications of pathogenicity. Review status: criteria provided, conflicting classifications (1 of 4 stars). 4 submissions from 4 submitters: Uncertain significance (3); Likely benign (1). Last evaluated 2023-10-03.

Conditions:
Glycogen storage disease due to phosphoglycerate kinase 1 deficiency. Also called: PHOSPHOGLYCERATE KINASE 1 DEFICIENCY WITH LEVO-DOPA-RESPONSIVE PARKINSONISM; PGK1 DEFICIENCY. Identifiers: Orphanet 713, MedGen C1970848, MONDO:0010392, OMIM 300653.

Allele frequency attached by ClinVar (database versions not stated): gnomAD exomes 0.00001 and 0.00002; TOPMed 0.00003; gnomAD 0.00005.

Submissions (4):

Labcorp Genetics (formerly Invitae), Labcorp
Classification: Likely benign. Last evaluated: 2023-10-03. Review status: criteria provided, single submitter. Criteria: Invitae Variant Classification Sherloc (09022015). Collection method: clinical testing. Allele origin: germline.

Mayo Clinic Laboratories, Mayo Clinic
Classification: Uncertain significance. Last evaluated: 2022-11-18. Review status: criteria provided, single submitter. Criteria: ACMG Guidelines, 2015. Collection method: clinical testing. Allele origin: germline. Observed: 2 variant alleles.
Comment: PM2

Fulgent Genetics
Classification: Uncertain significance for Glycogen storage disease due to phosphoglycerate kinase 1 deficiency. Last evaluated: 2022-01-03. Review status: criteria provided, single submitter. Criteria: ACMG Guidelines, 2015. Collection method: clinical testing. Allele origin: unknown.

GeneDx
Classification: Uncertain significance. Last evaluated: 2018-07-19. Review status: criteria provided, single submitter. Criteria: GeneDx Variant Classification (06012015). Collection method: clinical testing. Allele origin: germline. Affected: yes.
Comment: The S415G variant in the PGK1 gene has not been reported previously as a pathogenic variant, nor as a benign variant, to our knowledge. The S415G variant is not observed in large population cohorts (Lek et al., 2016; 1000 Genomes Consortium et al., 2015; Exome Variant Server). The S415G variant is a non-conservative amino acid substitution, which is likely to impact secondary protein structure as these residues differ in polarity, charge, size and/or other properties. This substitution occurs at a position that is conserved across species. In silico analysis predicts this variant is probably damaging to the protein structure/function. We interpret S415G as a variant of uncertain significance